The following is an entry in ClinVar:

NM_000257.4(MYH7):c.634G>T (p.Gly212Cys)

Gene: MYH7 (myosin heavy chain 7; minus strand). Cytogenetic location: 14q11.2.
Variant type: single nucleotide variant.
Coding change: c.634G>T on transcript NM_000257.4 (MANE Select); coding-DNA position 634, G replaced by T.
Protein change: p.Gly212Cys; replaces glycine 212 with cysteine.
Molecular consequence: missense variant.
Genome position (GRCh38, 1-based): chr14:23,431,766, C>A on the plus strand (G>T on the coding strand, the complement: MYH7 is on the minus strand). VCF-style: chr14-23431766-C-A. GRCh37 (hg19) VCF-style: chr14-23900975-C-A.
Other names: c.634G>T, p.Gly212Cys (NM_001407004.1); short protein forms G212C.
Identifiers: ClinVar variation 3072738 (VCV003072738.2), dbSNP rs1244877100, ClinGen allele CA389052375.

ClinVar aggregate classification (germline): Uncertain significance. Review status: criteria provided, multiple submitters, no conflicts (2 of 4 stars). 2 submissions from 2 submitters: Uncertain significance (2). Last evaluated 2025-08-13.

Conditions:
Cardiomyopathy (CMYO). Also called: Cardiomyopathies. Identifiers: Orphanet 167848, MedGen C0878544, MONDO:0004994, HP:0001638. Inheritance: Various modes of inheritance.
Hypertrophic cardiomyopathy 1 (CMH1). Also called: Familial hypertrophic cardiomyopathy 1; MYH7-Related Familial Hypertrophic Cardiomyopathy. Identifiers: MedGen C3495498, MONDO:0008647, OMIM 192600.

Submissions (2):

3billion
Classification: Uncertain significance for Hypertrophic cardiomyopathy 1. Last evaluated: 2025-08-13. Review status: criteria provided, single submitter. Criteria: ACMG Guidelines, 2015. Collection method: clinical testing. Allele origin: germline. Affected: yes.
Comment: The variant is not observed in the gnomAD v4.1.0 dataset. Predicted Consequence/Location: The variant is located in a mutational hot spot and/or well-established functional domain in which established pathogenic variants have been reported (PMID: 29300372). Damaging effect on gene or gene product predicted by in silico programs is uncertain [REVEL: 0.47 (damaging >=0.6, benign <0.4), 3Cnet: 0.16 (damaging >0.75, benign <0.1)]. The variant has been reported as of uncertain significance (ClinVar ID: VCV003072738). Different missense changes at the same codon have been reported as of uncertain significance (ClinVar ID: VCV000835842, VCV000234707). Therefore, this variant is classified as VUS according to the recommendation of ACMG/AMP guideline.

All of Us Research Program, National Institutes of Health
Classification: Uncertain significance for Cardiomyopathy. Last evaluated: 2023-08-15. Review status: criteria provided, single submitter. Criteria: ACMG Guidelines, 2015. Collection method: clinical testing. Allele origin: germline. Inheritance: Autosomal dominant inheritance. Observed: 1 variant allele, 1 heterozygote.
Comment: This missense variant replaces glycine with cysteine at codon 212 of the MYH7 protein. Computational prediction suggests that this variant may not impact protein structure and function (internally defined REVEL score threshold <= 0.5, PMID: 27666373). To our knowledge, functional studies have not been reported for this variant. This variant has not been reported in individuals affected with MYH7-related disorders in the literature. This variant has not been identified in the general population by the Genome Aggregation Database (gnomAD). The available evidence is insufficient to determine the role of this variant in disease conclusively. Therefore, this variant is classified as a Variant of Uncertain Significance.

This study involves interpretation of variants in research participants for the purpose of population health screening. Participant phenotype was not available at the time of variant classification. Additional details can be found in publication PMID: 35346344, PMCID: PMC8962531